The following is an entry in ClinVar:

NM_001035.3(RYR2):c.8366T>C (p.Ile2789Thr)

Gene: RYR2 (ryanodine receptor 2; plus strand). Cytogenetic location: 1q43.
Variant type: single nucleotide variant.
Coding change: c.8366T>C on transcript NM_001035.3 (MANE Select); coding-DNA position 8366, T replaced by C.
Protein change: p.Ile2789Thr; replaces isoleucine 2789 with threonine.
Molecular consequence: missense variant.
Genome position (GRCh38, 1-based): chr1:237,660,877, T>C. VCF-style: chr1-237660877-T-C. GRCh37 (hg19) VCF-style: chr1-237824177-T-C.
Other names: c.8366T>C (NM_001035.2); short protein forms I2789T.
Identifiers: ClinVar variation 1174950 (VCV001174950.21), dbSNP rs1419719746, ClinGen allele CA345401874.

ClinVar aggregate classification (germline): Uncertain significance. Review status: criteria provided, multiple submitters, no conflicts (2 of 4 stars). 9 submissions from 9 submitters: Uncertain significance (7). 2 of the submissions do not count toward it. Last evaluated 2024-10-29.

Conditions:
Catecholaminergic polymorphic ventricular tachycardia 1. Also called: VENTRICULAR TACHYCARDIA, STRESS-INDUCED POLYMORPHIC 1; VENTRICULAR TACHYCARDIA, CATECHOLAMINERGIC POLYMORPHIC, 1, WITH OR WITHOUT ATRIAL DYSFUNCTION AND/OR DILATED CARDIOMYOPATHY; RYR2-Related Catecholaminergic Polymorphic Ventricular Tachycardia. Identifiers: Orphanet 3286, MedGen C1631597, MONDO:0011484, OMIM 604772.
Cardiomyopathy (CMYO). Also called: Cardiomyopathies. Identifiers: Orphanet 167848, MedGen C0878544, MONDO:0004994, HP:0001638. Inheritance: Various modes of inheritance.
Arrhythmogenic right ventricular dysplasia 2. Identifiers: MedGen C1832931.
Ventricular arrhythmias due to cardiac ryanodine receptor calcium release deficiency syndrome. Also called: Autosomal dominant cardiac arrhythmia (Kuhn). Identifiers: MedGen C5542154, MONDO:0020745, OMIM 115000.
Cardiovascular phenotype. Identifiers: MedGen CN230736.
Catecholaminergic polymorphic ventricular tachycardia (CVPT). Also called: Catecholamine-induced polymorphic ventricular tachycardia. Identifiers: Orphanet 3286, MedGen C5574922, MONDO:0017990.

Allele frequency attached by ClinVar (database versions not stated): gnomAD exomes 0.00002.
gnomAD v4.1: 25 of 1,542,196 alleles (0.0016%); highest among the groups gnomAD compares: Non-Finnish European, 0.002%; no homozygotes.

Submissions (9):

Ambry Genetics
Classification: Uncertain significance for Cardiovascular phenotype. Last evaluated: 2024-10-29. Review status: criteria provided, single submitter. Criteria: Ambry Variant Classification Scheme 2023. Collection method: clinical testing. Allele origin: germline.
Comment: The p.I2789T variant (also known as c.8366T>C), located in coding exon 56 of the RYR2 gene, results from a T to C substitution at nucleotide position 8366. The isoleucine at codon 2789 is replaced by threonine, an amino acid with similar properties. This amino acid position is well conserved in available vertebrate species. In addition, the in silico prediction for this alteration is inconclusive. Based on the available evidence, the clinical significance of this variant remains unclear.

All of Us Research Program, National Institutes of Health
Classification: Uncertain significance for Catecholaminergic polymorphic ventricular tachycardia. Last evaluated: 2024-05-14. Review status: criteria provided, single submitter. Criteria: ACMG Guidelines, 2015. Collection method: clinical testing. Allele origin: germline. Inheritance: Autosomal dominant inheritance. Observed: 4 variant alleles, 4 heterozygotes.
Comment: This missense variant replaces isoleucine with threonine at codon 2789 of the RYR2 protein. Computational prediction suggests that this variant may have deleterious impact on protein structure and function (internally defined REVEL score threshold >= 0.7, PMID: 27666373). To our knowledge, functional studies have not been reported for this variant. This variant has not been reported in individuals affected with cardiovascular disorders in the literature. This variant has not been identified in the general population by the Genome Aggregation Database (gnomAD). The available evidence is insufficient to determine the role of this variant in disease conclusively. Therefore, this variant is classified as a Variant of Uncertain Significance.

This study involves interpretation of variants in research participants for the purpose of population health screening. Participant phenotype was not available at the time of variant classification. Additional details can be found in publication PMID: 35346344, PMCID: PMC8962531

Color Diagnostics, LLC DBA Color Health
Classification: Uncertain significance for Cardiomyopathy. Last evaluated: 2024-03-06. Review status: criteria provided, single submitter. Criteria: ACMG Guidelines, 2015. Collection method: clinical testing. Allele origin: germline.
Comment: This missense variant replaces isoleucine with threonine at codon 2789 of the RYR2 protein. Computational prediction suggests that this variant may have deleterious impact on protein structure and function (internally defined REVEL score threshold >= 0.7, PMID: 27666373). To our knowledge, functional studies have not been reported for this variant. This variant has not been reported in individuals affected with RYR2-related disorders in the literature. This variant has not been identified in the general population by the Genome Aggregation Database (gnomAD). The available evidence is insufficient to determine the role of this variant in disease conclusively. Therefore, this variant is classified as a Variant of Uncertain Significance.

Labcorp Genetics (formerly Invitae), Labcorp
Classification: Uncertain significance for Catecholaminergic polymorphic ventricular tachycardia 1. Last evaluated: 2024-03-04. Review status: criteria provided, single submitter. Criteria: Invitae Variant Classification Sherloc (09022015). Collection method: clinical testing. Allele origin: germline.
Comment: This sequence change replaces isoleucine, which is neutral and non-polar, with threonine, which is neutral and polar, at codon 2789 of the RYR2 protein (p.Ile2789Thr). This variant is not present in population databases (gnomAD no frequency). This variant has not been reported in the literature in individuals affected with RYR2-related conditions. ClinVar contains an entry for this variant (Variation ID: 1174950). Advanced modeling of protein sequence and biophysical properties (such as structural, functional, and spatial information, amino acid conservation, physicochemical variation, residue mobility, and thermodynamic stability) performed at Invitae indicates that this missense variant is expected to disrupt RYR2 protein function with a positive predictive value of 95%. In summary, the available evidence is currently insufficient to determine the role of this variant in disease. Therefore, it has been classified as a Variant of Uncertain Significance.

GeneDx
Classification: Uncertain significance. Last evaluated: 2024-01-30. Review status: criteria provided, single submitter. Criteria: GeneDx Variant Classification Process June 2021. Collection method: clinical testing. Allele origin: germline. Affected: yes.
Comment: Not observed at significant frequency in large population cohorts (gnomAD); In silico analysis supports that this missense variant has a deleterious effect on protein structure/function; Has not been previously published as pathogenic or benign to our knowledge; Not located in one of the three hot-spot regions of the RYR2 gene, where the majority of pathogenic missense variants occur (PMID: 19926015); This variant is associated with the following publications: (PMID: 19926015)

Fulgent Genetics
Classification: Uncertain significance for Ventricular arrhythmias due to cardiac ryanodine receptor calcium release deficiency syndrome; Catecholaminergic polymorphic ventricular tachycardia 1. Last evaluated: 2021-10-18. Review status: criteria provided, single submitter. Criteria: ACMG Guidelines, 2015. Collection method: clinical testing. Allele origin: unknown.

AiLife Diagnostics
Classification: Uncertain significance. Last evaluated: 2021-09-29. Review status: criteria provided, single submitter. Criteria: ACMG Guidelines, 2015. Collection method: clinical testing. Allele origin: germline. Affected: yes. Observed: 1 variant allele.

Diagnostic Laboratory, Department of Genetics, University Medical Center Groningen
Classification: Uncertain significance. Review status: no assertion criteria provided. Collection method: clinical testing. Allele origin: germline. Affected: yes. Study: VKGL Data-share Consensus. Not counted in ClinVar's aggregate classification.

Joint Genome Diagnostic Labs from Nijmegen and Maastricht, Radboudumc and MUMC+
Classification: Uncertain significance. Review status: no assertion criteria provided. Collection method: clinical testing. Allele origin: germline. Affected: yes. Study: VKGL Data-share Consensus. Not counted in ClinVar's aggregate classification.